The following is an entry in ClinVar:

NC_000003.12:g.(10048052_10049373)_(10049506_10052386)del

Gene: FANCD2 (FA complementation group D2; plus strand). Cytogenetic location: 3p25.3.
Variant type: Deletion.
Identifiers: ClinVar variation 929657 (VCV000929657.1).

ClinVar aggregate classification (germline): Pathogenic (0 of 4 stars; one submission).

Conditions:
Fanconi anemia complementation group D2. Also called: FANCD2-Related Fanconi Anemia; FANCONI PANCYTOPENIA, TYPE 4; FANCONI ANEMIA, COMPLEMENTATION GROUP D. Identifiers: Orphanet 84, MedGen C3160738, MONDO:0009214, OMIM 227646.

Submission:

Leiden Open Variation Database
Classification: Pathogenic for Fanconi anemia complementation group D2. Last evaluated: 2020-02-28. Review status: no assertion criteria provided. Collection method: curation. Allele origin: germline. Affected: yes.
Comment: Curator: Arleen D. Auerbach. Submitter to LOVD: Arleen D. Auerbach.

Literature cited by the submitters: PubMed 11239453.